The following is an entry in ClinVar:

ClinVar aggregate classification (germline): Benign/Likely benign. Review status: criteria provided, multiple submitters, no conflicts (2 of 4 stars). 4 submissions from 4 submitters: Benign (2); Likely benign (2). Last evaluated 2026-07-01.

Conditions:
AICA-ribosiduria. Also called: ATIC DEFICIENCY; AICA-ribosiduria due to ATIC deficiency. Identifiers: Orphanet 250977, MedGen C1837530, MONDO:0012099, OMIM 608688.

Allele frequency attached by ClinVar (database versions not stated): 1000 Genomes Project 0.00200; 1000 Genomes Project 30x 0.00265; gnomAD 0.00641 and 0.00651; TOPMed 0.00676; ESP Exome Variant Server 0.00761.
gnomAD v4.1: 13,105 of 1,614,114 alleles (0.81%); highest among the groups gnomAD compares: Middle Eastern, 2.2%; 64 homozygotes.

Submissions (4):

CeGaT Center for Human Genetics Tuebingen
Classification: Likely benign. Last evaluated: 2026-07-01. Review status: criteria provided, single submitter. Criteria: CeGaT Center For Human Genetics Tuebingen Variant Classification Criteria Version 2. Collection method: clinical testing. Allele origin: germline. Affected: yes. Observed: 19 variant alleles.
Comment: ATIC: BP4, BP7, BS2

Labcorp Genetics (formerly Invitae), Labcorp
Classification: Benign. Last evaluated: 2026-01-12. Review status: criteria provided, single submitter. Criteria: Invitae Variant Classification Sherloc (09022015). Collection method: clinical testing. Allele origin: germline.

Fulgent Genetics
Classification: Likely benign for AICA-ribosiduria. Last evaluated: 2021-09-13. Review status: criteria provided, single submitter. Criteria: ACMG Guidelines, 2015. Collection method: clinical testing. Allele origin: unknown.

Breakthrough Genomics
Classification: Benign. Review status: criteria provided, single submitter. Criteria: ACMG Guidelines, 2015. Collection method: not provided. Allele origin: germline. Inheritance: Autosomal recessive inheritance. Affected: yes.

NM_004044.7(ATIC):c.1494C>G (p.Thr498=)

Gene: ATIC (5-aminoimidazole-4-carboxamide ribonucleotide formyltransferase/IMP cyclohydrolase; plus strand). Cytogenetic location: 2q35.
Variant type: single nucleotide variant.
Coding change: c.1494C>G on transcript NM_004044.7 (MANE Select); coding-DNA position 1494, C replaced by G.
Protein change: p.Thr498=; no amino-acid change (threonine 498 retained).
Molecular consequence: synonymous variant.
Genome position (GRCh38, 1-based): chr2:215,346,932, C>G. VCF-style: chr2-215346932-C-G. GRCh37 (hg19) VCF-style: chr2-216211655-C-G.
Identifiers: ClinVar variation 784586 (VCV000784586.35), dbSNP rs116255553, ClinGen allele CA2093353.